The following is an entry in ClinVar:

NM_001388492.1(HTT):c.6024C>T (p.Val2008=)

Gene: HTT (huntingtin; plus strand). Cytogenetic location: 4p16.3.
Variant type: single nucleotide variant.
Coding change: c.6024C>T on transcript NM_001388492.1 (MANE Select); coding-DNA position 6024, C replaced by T.
Protein change: p.Val2008=; no amino-acid change (valine 2008 retained).
Molecular consequence: synonymous variant.
Genome position (GRCh38, 1-based): chr4:3,206,932, C>T. VCF-style: chr4-3206932-C-T. GRCh37 (hg19) VCF-style: chr4-3208659-C-T.
Other names: c.6030C>T, p.Val2010= (NM_002111.8).
Identifiers: ClinVar variation 1558268 (VCV001558268.9), dbSNP rs750833956, ClinGen allele CA2824880.
Genomic context (GRCh38, chr4:3,206,932, plus strand): 5'-GCTCACGCTGTATGTGGACAGGCTTCTGTGCACCCCTTTCCGTGTGCTGGCTCGCATGGT[C>T]GACATCCTTGCTTGTCGCCGGGTAGAAATGCTTCTGGCTGCAAATTTACAGGTATTGGGA-3'
Protein context (NP_001375421.1, residues 1998-2018): CTPFRVLARM[Val2008=]DILACRRVEM

ClinVar aggregate classification (germline): Likely benign. Review status: criteria provided, multiple submitters, no conflicts (2 of 4 stars). 2 submissions from 2 submitters: Likely benign (2). Last evaluated 2021-05-13.

Conditions:
HTT-related disorder. Also called: HTT-related condition.

Allele frequency attached by ClinVar (database versions not stated): ExAC 0.00002; gnomAD exomes 0.00002 and 0.00005; TOPMed 0.00004; gnomAD 0.00006.
gnomAD v4.1: 89 of 1,613,802 alleles (0.0055%); highest among the groups gnomAD compares: Non-Finnish European, 0.0064%; no homozygotes.

Submissions (2):

Labcorp Genetics (formerly Invitae), Labcorp
Classification: Likely benign. Last evaluated: 2021-05-13. Review status: criteria provided, single submitter. Criteria: Invitae Variant Classification Sherloc (09022015). Collection method: clinical testing. Allele origin: germline.

PreventionGenetics, part of Exact Sciences
Classification: Likely benign for HTT-related condition. Last evaluated: 2020-09-17. Review status: criteria provided, single submitter. Criteria: ACMG Guidelines, 2015. Collection method: clinical testing. Allele origin: germline.
Comment: This variant is classified as likely benign based on ACMG/AMP sequence variant interpretation guidelines (Richards et al. 2015 PMID: 25741868, with internal and published modifications).